The following is an entry in ClinVar:

ClinVar aggregate classification (germline): Likely pathogenic (1 of 4 stars; one submission).

Conditions:
Arthrogryposis multiplex congenita 6. Identifiers: MedGen C5543431, MONDO:0030281, OMIM 619334.
Nemaline myopathy 2 (NEM2). Also called: Nemaline myopathy 2, autosomal recessive. Identifiers: MedGen C1850569, MONDO:0009725, OMIM 256030.

Submission:

Juno Genomics, Hangzhou Juno Genomics, Inc
Classification: Likely pathogenic for Arthrogryposis multiplex congenita 6; Nemaline myopathy 2. Review status: criteria provided, single submitter. Criteria: ACMG Guidelines, 2015. Collection method: clinical testing. Allele origin: germline.
Comment: Null variant in a gene where loss of function (LOF) is a known mechanism of disease.;Absent from controls (or at extremely low frequency if recessive) in Genome Aggregation Database.

NM_001164508.2(NEB):c.2396del (p.Asn799fs)

Gene: NEB (nebulin; minus strand). Cytogenetic location: 2q23.3.
Variant type: Deletion.
Coding change: c.2396del on transcript NM_001164508.2 (MANE Select); coding-DNA position 2396, one base deleted (A; older notation c.2396delA).
Protein change: p.Asn799fs; shifts the reading frame from asparagine 799.
Molecular consequence: frameshift variant.
Genome position (GRCh38, 1-based): chr2:151,688,311, T deleted on the plus strand (A on the coding strand, the reverse complement: NEB is on the minus strand); the first of 2 consecutive T bases (chr2:151,688,311-151,688,312); deleting either gives the same sequence. VCF-style (leftmost placement, unchanged base first): chr2-151688310-AT-A. GRCh37 (hg19) VCF-style: chr2-152544824-AT-A.
Other names: c.2396del, p.Asn799fs (NM_001164507.2, NM_001271208.2, NM_004543.5); short protein forms N799fs.
Identifiers: ClinVar variation 5006099 (VCV005006099.2).